The following is an entry in ClinVar:

NM_001843.4(CNTN1):c.695T>C (p.Ile232Thr)

Gene: CNTN1 (contactin 1; plus strand). Cytogenetic location: 12q12.
Variant type: single nucleotide variant.
Coding change: c.695T>C on transcript NM_001843.4 (MANE Select); coding-DNA position 695, T replaced by C.
Protein change: p.Ile232Thr; replaces isoleucine 232 with threonine.
Molecular consequence: missense variant.
Genome position (GRCh38, 1-based): chr12:40,929,994, T>C. VCF-style: chr12-40929994-T-C. GRCh37 (hg19) VCF-style: chr12-41323796-T-C.
Other names: c.695T>C, p.Ile232Thr (NM_001256063.2, NM_001256064.2); c.662T>C, p.Ile221Thr (NM_175038.2); short protein forms I221T, I232T.
Identifiers: ClinVar variation 961425 (VCV000961425.10), dbSNP rs763560467, ClinGen allele CA6516667.

ClinVar aggregate classification (germline): Uncertain significance (1 of 4 stars; one submission).

Conditions:
Compton-North congenital myopathy (CMYO12). Identifiers: Orphanet 210163, MedGen C2675527, MONDO:0012929, OMIM 612540.

Allele frequency attached by ClinVar (database versions not stated): gnomAD exomes below 0.00001; ExAC 0.00001.
gnomAD v4.1: 4 of 1,605,860 alleles (0.00025%); highest among the groups gnomAD compares: Non-Finnish European, 0.00026%; no homozygotes.

Submission:

Labcorp Genetics (formerly Invitae), Labcorp
Classification: Uncertain significance for Compton-North congenital myopathy. Last evaluated: 2024-04-25. Review status: criteria provided, single submitter. Criteria: Invitae Variant Classification Sherloc (09022015). Collection method: clinical testing. Allele origin: germline.
Comment: This sequence change replaces isoleucine, which is neutral and non-polar, with threonine, which is neutral and polar, at codon 232 of the CNTN1 protein (p.Ile232Thr). This variant is present in population databases (rs763560467, gnomAD 0.0009%). This variant has not been reported in the literature in individuals affected with CNTN1-related conditions. ClinVar contains an entry for this variant (Variation ID: 961425). Advanced modeling of protein sequence and biophysical properties (such as structural, functional, and spatial information, amino acid conservation, physicochemical variation, residue mobility, and thermodynamic stability) performed at Invitae indicates that this missense variant is not expected to disrupt CNTN1 protein function with a negative predictive value of 95%. In summary, the available evidence is currently insufficient to determine the role of this variant in disease. Therefore, it has been classified as a Variant of Uncertain Significance.